The following is an entry in ClinVar:

NM_144997.7(FLCN):c.921G>C (p.Glu307Asp)

Gene: FLCN (folliculin; minus strand). Cytogenetic location: 17p11.2.
Variant type: single nucleotide variant.
Coding change: c.921G>C on transcript NM_144997.7 (MANE Select); coding-DNA position 921, G replaced by C.
Protein change: p.Glu307Asp; replaces glutamic acid 307 with aspartic acid.
Molecular consequence: missense variant.
Genome position (GRCh38, 1-based): chr17:17,219,160, C>G on the plus strand (G>C on the coding strand, the complement: FLCN is on the minus strand). VCF-style: chr17-17219160-C-G. GRCh37 (hg19) VCF-style: chr17-17122474-C-G.
Other names: c.975G>C, p.Glu325Asp (NM_001353229.2); c.921G>C, p.Glu307Asp (NM_001353230.2, NM_001353231.2); short protein forms E325D, E307D.
Identifiers: ClinVar variation 5021876 (VCV005021876.1).
Genomic context (GRCh38, chr17:17,219,160, plus strand): 5'-TGCCGGGCCCTGGGTCAGCTCCCGCCCTTCTGTACTCTCTGGCAACACAGGGGCTTTCTC[C>G]TCCTCTTCAGCCTCAGAGTTGTCCCAGCTTTCTGATTCCTCTTCTAAATCTGCAAGACAG-3'
Protein context (NP_659434.2, residues 297-317): ESWDNSEAEE[Glu307Asp]EKAPVLPEST

ClinVar aggregate classification (germline): Uncertain significance (1 of 4 stars; one submission).

Conditions:
Hereditary cancer-predisposing syndrome. Also called: Neoplastic Syndromes, Hereditary; Tumor predisposition; Hereditary neoplastic syndrome; Hereditary Cancer Syndrome. Identifiers: Orphanet 140162, MedGen C0027672, MeSH D009386, MONDO:0015356.

Submission:

Ambry Genetics
Classification: Uncertain significance for Hereditary cancer-predisposing syndrome. Last evaluated: 2026-08-28. Review status: criteria provided, single submitter. Criteria: Ambry Variant Classification Scheme 2023. Collection method: clinical testing. Allele origin: germline.
Comment: The p.E307D variant (also known as c.921G>C), located in coding exon 6 of the FLCN gene, results from a G to C substitution at nucleotide position 921. The glutamic acid at codon 307 is replaced by aspartic acid, an amino acid with highly similar properties. This amino acid position is conserved. In addition, this alteration is predicted to be tolerated by in silico analysis. Based on the available evidence, the clinical significance of this variant remains unclear.